The following is an entry in ClinVar:

ClinVar aggregate classification (germline): Conflicting classifications of pathogenicity. Review status: criteria provided, conflicting classifications (1 of 4 stars). 3 submissions from 3 submitters: Uncertain significance (1); Likely benign (1). 1 of the submissions does not count toward it. Last evaluated 2025-05-06.

Conditions:
Noonan syndrome 9 (NS9). Identifiers: Orphanet 648, MedGen C4225282, MONDO:0014691, OMIM 616559.
SOS2-related disorder. Also called: SOS2-related condition.
Cardiovascular phenotype. Identifiers: MedGen CN230736.

Allele frequency attached by ClinVar (database versions not stated): gnomAD exomes below 0.00001 and 0.00001; gnomAD 0.00001; ExAC 0.00002.
gnomAD v4.1: 15 of 1,536,302 alleles (0.00098%); highest among the groups gnomAD compares: African/African-American, 0.0014%; no homozygotes.

Submissions (3):

Labcorp Genetics (formerly Invitae), Labcorp
Classification: Likely benign for Noonan syndrome 9. Last evaluated: 2025-05-06. Review status: criteria provided, single submitter. Criteria: Invitae Variant Classification Sherloc (09022015). Collection method: clinical testing. Allele origin: germline.

Ambry Genetics
Classification: Uncertain significance for Cardiovascular phenotype. Last evaluated: 2020-11-04. Review status: criteria provided, single submitter. Criteria: Ambry Variant Classification Scheme 2023. Collection method: clinical testing. Allele origin: germline.
Comment: Thec.88-5T>A intronic alteration results from a T to A substitution 5 nucleotides before coding exon 2 of the SOS2 gene. Based on data from the Genome Aggregation Database (gnomAD) database, the SOS2 c.88-5T>A alteration was observed in 0.0005% (1/218946) of total alleles studied. This nucleotide position is not well conserved in available vertebrate species. In silico splice site analysis predicts that this alteration will not have any significant effect on splicing. Based on insufficient or conflicting evidence, the clinical significance of this alteration remains unclear.

PreventionGenetics, part of Exact Sciences
Classification: Likely benign for SOS2-related condition. Last evaluated: 2020-11-16. Review status: no assertion criteria provided. Collection method: clinical testing. Allele origin: germline. Not counted in ClinVar's aggregate classification.
Comment: This variant is classified as likely benign based on ACMG/AMP sequence variant interpretation guidelines (Richards et al. 2015 PMID: 25741868, with internal and published modifications).

NM_006939.4(SOS2):c.88-5T>A

Gene: SOS2 (SOS Ras/Rho guanine nucleotide exchange factor 2; minus strand). Cytogenetic location: 14q21.3.
Variant type: single nucleotide variant.
Coding change: c.88-5T>A on transcript NM_006939.4 (MANE Select); 5 bases into the intron before coding-DNA position 88, T replaced by A.
Molecular consequence: intron variant.
Genome position (GRCh38, 1-based): chr14:50,204,414, A>T on the plus strand (T>A on the coding strand, the complement: SOS2 is on the minus strand). VCF-style: chr14-50204414-A-T. GRCh37 (hg19) VCF-style: chr14-50671132-A-T.
Other names: c.88-5T>A (NM_006939.3, NM_006939.2).
Identifiers: ClinVar variation 1593104 (VCV001593104.11), dbSNP rs767732779, ClinGen allele CA7177611.
Genomic context (GRCh38, chr14:50,204,414, plus strand): 5'-ATATAATAGAGAGACTCTTCATTAGCTGAGAGAGTGGGATGCACTTGTTCCTGAACCTTT[A>T]AAAAAAAGTTATCAGTTAAAGTAATGGCAAAATAATATAAATTGAACAAAAGTCAAAGAG-3'